The following is an entry in ClinVar:

NM_000391.4(TPP1):c.734G>A (p.Arg245His)

Gene: TPP1 (tripeptidyl peptidase 1; minus strand). Cytogenetic location: 11p15.4.
Variant type: single nucleotide variant.
Coding change: c.734G>A on transcript NM_000391.4 (MANE Select); coding-DNA position 734, G replaced by A.
Protein change: p.Arg245His; replaces arginine 245 with histidine.
Molecular consequence: missense variant.
Genome position (GRCh38, 1-based): chr11:6,616,813, C>T on the plus strand (G>A on the coding strand, the complement: TPP1 is on the minus strand). VCF-style: chr11-6616813-C-T. GRCh37 (hg19) VCF-style: chr11-6638044-C-T.
Other names: short protein forms R245H.
Identifiers: ClinVar variation 568573 (VCV000568573.15), dbSNP rs754161261, ClinGen allele CA5858850.

ClinVar aggregate classification (germline): Conflicting classifications of pathogenicity. Review status: criteria provided, conflicting classifications (1 of 4 stars). 6 submissions from 6 submitters: Uncertain significance (4); Likely benign (1). 1 of the submissions does not count toward it. Last evaluated 2024-01-30.

Conditions:
Inborn genetic diseases. Identifiers: MedGen C0950123, MeSH D030342.
Neuronal ceroid lipofuscinosis 2. Also called: JANSKY-BIELSCHOWSKY DISEASE NEURONAL CEROID LIPOFUSCINOSIS, LATE INFANTILE; TPP1-Related Neuronal Ceroid-Lipofuscinosis. Identifiers: Orphanet 168491, Orphanet 228349, Orphanet 79264, MedGen C1876161, MONDO:0008769, OMIM 204500.

Allele frequency attached by ClinVar (database versions not stated): gnomAD exomes below 0.00001 and 0.00001; TOPMed below 0.00001; ExAC 0.00001.
gnomAD v4.1: 16 of 1,613,714 alleles (0.00099%); highest among the groups gnomAD compares: African/African-American, 0.0053%; no homozygotes.

Submissions (6):

Blueprint Genetics
Classification: Likely benign. Last evaluated: 2024-01-30. Review status: criteria provided, single submitter. Criteria: ACMG Guidelines, 2015. Collection method: clinical testing. Allele origin: germline.

Labcorp Genetics (formerly Invitae), Labcorp
Classification: Uncertain significance. Last evaluated: 2022-09-27. Review status: criteria provided, single submitter. Criteria: Invitae Variant Classification Sherloc (09022015). Collection method: clinical testing. Allele origin: germline.
Comment: This sequence change replaces arginine, which is basic and polar, with histidine, which is basic and polar, at codon 245 of the TPP1 protein (p.Arg245His). This variant is present in population databases (rs754161261, gnomAD 0.006%). This variant has not been reported in the literature in individuals affected with TPP1-related conditions. ClinVar contains an entry for this variant (Variation ID: 568573). Advanced modeling of protein sequence and biophysical properties (such as structural, functional, and spatial information, amino acid conservation, physicochemical variation, residue mobility, and thermodynamic stability) performed at Invitae indicates that this missense variant is not expected to disrupt TPP1 protein function. In summary, the available evidence is currently insufficient to determine the role of this variant in disease. Therefore, it has been classified as a Variant of Uncertain Significance.

Ambry Genetics
Classification: Uncertain significance for Inborn genetic diseases. Last evaluated: 2021-08-16. Review status: criteria provided, single submitter. Criteria: Ambry Variant Classification Scheme 2023. Collection method: clinical testing. Allele origin: germline.

GeneDx
Classification: Uncertain significance. Last evaluated: 2019-09-12. Review status: criteria provided, single submitter. Criteria: GeneDx Variant Classification Process June 2021. Collection method: clinical testing. Allele origin: germline. Affected: yes.
Comment: Not observed at a significant frequency in large population cohorts (Lek et al., 2016); In silico analysis, which includes protein predictors and evolutionary conservation, supports that this variant does not alter protein structure/function; Has not been previously published as pathogenic or benign to our knowledge

Illumina Laboratory Services, Illumina
Classification: Uncertain significance for Neuronal ceroid lipofuscinosis 2. Last evaluated: 2017-04-27. Review status: criteria provided, single submitter. Criteria: ICSL Variant Classification Criteria 13 December 2019. Collection method: clinical testing. Allele origin: germline.

Natera, Inc.
Classification: Uncertain significance for Neuronal ceroid lipofuscinosis 2. Last evaluated: 2021-05-26. Review status: no assertion criteria provided. Collection method: clinical testing. Allele origin: germline. Not counted in ClinVar's aggregate classification.